The following is an entry in ClinVar:

ClinVar aggregate classification (germline): Uncertain significance (1 of 4 stars; one submission).

gnomAD v4.1: 1 of 1,612,638 alleles (0.000062%); no homozygotes.

Submission:

Labcorp Genetics (formerly Invitae), Labcorp
Classification: Uncertain significance. Last evaluated: 2020-09-26. Review status: criteria provided, single submitter. Criteria: Invitae Variant Classification Sherloc (09022015). Collection method: clinical testing. Allele origin: germline.
Comment: This variant is not present in population databases (ExAC no frequency). This sequence change replaces alanine with valine at codon 154 of the CLCC1 protein (p.Ala154Val). The alanine residue is highly conserved and there is a small physicochemical difference between alanine and valine. This variant has not been reported in the literature in individuals with CLCC1-related conditions. In summary, the available evidence is currently insufficient to determine the role of this variant in disease. Therefore, it has been classified as a Variant of Uncertain Significance. Algorithms developed to predict the effect of missense changes on protein structure and function (SIFT, PolyPhen-2, Align-GVGD) all suggest that this variant is likely to be disruptive, but these predictions have not been confirmed by published functional studies and their clinical significance is uncertain.

NM_001377458.1(CLCC1):c.461C>T (p.Ala154Val)

Gene: CLCC1 (chloride channel CLIC like 1; minus strand). Cytogenetic location: 1p13.3.
Variant type: single nucleotide variant.
Coding change: c.461C>T on transcript NM_001377458.1 (MANE Select); coding-DNA position 461, C replaced by T.
Protein change: p.Ala154Val; replaces alanine 154 with valine.
Molecular consequence: missense variant. On other transcripts: non-coding transcript variant (1), intron variant (3).
Genome position (GRCh38, 1-based): chr1:108,943,936, G>A on the plus strand (C>T on the coding strand, the complement: CLCC1 is on the minus strand). VCF-style: chr1-108943936-G-A. GRCh37 (hg19) VCF-style: chr1-109486558-G-A.
Other names: c.461C>T, p.Ala154Val (NM_001048210.3, NM_001377459.1, NM_001377460.1 and 8 more transcripts); c.359C>T, p.Ala120Val (NM_001377469.1); c.170C>T, p.Ala57Val (NM_001377470.1); c.340-29C>T (NM_015127.5); c.340-2438C>T (NM_001278202.2); c.339+3675C>T (NM_001278203.1); short protein forms A120V, A154V, A57V.
Identifiers: ClinVar variation 1004124 (VCV001004124.5), dbSNP rs1654195876, ClinGen allele CA341464042.